The following is an entry in ClinVar:

NM_000421.5(KRT10):c.1374-1G>A

Genes: KRT10 (keratin 10; minus strand), KRT10-AS1 (KRT10 antisense RNA 1; plus strand). Cytogenetic location: 17q21.2.
Variant type: single nucleotide variant.
Coding change: c.1374-1G>A on transcript NM_000421.5 (MANE Select); the canonical splice acceptor site of the intron before coding-DNA position 1374, G replaced by A.
Molecular consequence: splice acceptor variant. On other transcripts: non-coding transcript variant (2).
Genome position (GRCh38, 1-based): chr17:40,819,162, C>T on the plus strand (G>A on the coding strand, the complement: KRT10 is on the minus strand). VCF-style: chr17-40819162-C-T. GRCh37 (hg19) VCF-style: chr17-38975414-C-T.
Other names: c.1374-1G>A (NM_001379366.1).
Identifiers: ClinVar variation 2431374 (VCV002431374.3), dbSNP rs2143131560, ClinGen allele CA399390186.
Genomic context (GRCh38, chr17:40,819,162, plus strand): 5'-GAGCTTCCGCCGCCGTAGCCGCCGCCGAAACTTCCGCCGCCGCGTCCGCCGCCTCCGGAA[C>T]TAAACGGGGTGAGGTCACATTCGGTTATCTCTAACGTTGGAAAACGGTGGGTAGCTTTCC-3'

ClinVar aggregate classification (germline): Likely pathogenic. Review status: criteria provided, multiple submitters, no conflicts (2 of 4 stars). 2 submissions from 2 submitters: Likely pathogenic (2). Last evaluated 2024-03-25.

Conditions:
Congenital reticular ichthyosiform erythroderma (IWC). Also called: ICHTHYOSIS WITH CONFETTI. Identifiers: Orphanet 281190, MedGen C3665704, MONDO:0012208, OMIM 609165.
Epidermolytic hyperkeratosis 2A, autosomal dominant (EHK2A). Identifiers: MedGen C5882671, MONDO:0700248, OMIM 620150.

Submissions (2):

Genomic Medicine Center of Excellence, King Faisal Specialist Hospital and Research Centre
Classification: Likely pathogenic for Epidermolytic hyperkeratosis 2A, autosomal dominant. Last evaluated: 2024-03-25. Review status: criteria provided, single submitter. Criteria: ACMG Guidelines, 2015. Collection method: research. Allele origin: germline.

Laboratorio de Genetica e Diagnostico Molecular, Hospital Israelita Albert Einstein
Classification: Likely pathogenic for Congenital reticular ichthyosiform erythroderma. Last evaluated: 2022-04-20. Review status: criteria provided, single submitter. Criteria: ACMG Guidelines, 2015. Collection method: clinical testing. Allele origin: germline. Affected: yes. Observed: 1 variant allele.
Comment: ACMG classification criteria: PVS1 strong, PS4 supporting, PM2 moderated, PM6 moderated